The following is an entry in ClinVar:

ClinVar aggregate classification (germline): Uncertain significance. Review status: criteria provided, multiple submitters, no conflicts (2 of 4 stars). 2 submissions from 2 submitters: Uncertain significance (2). Last evaluated 2023-07-14.

Conditions:
Combined oxidative phosphorylation defect type 27. Also called: Combined oxidative phosphorylation deficiency 27. Identifiers: Orphanet 477774, MedGen C5567608, MONDO:0014728, OMIM 616672.

Allele frequency attached by ClinVar (database versions not stated): gnomAD 0.00001 and 0.00003; gnomAD exomes 0.00002 and 0.00009; TOPMed 0.00005; ExAC 0.00006.

Submissions (2):

Labcorp Genetics (formerly Invitae), Labcorp
Classification: Uncertain significance for Combined oxidative phosphorylation defect type 27. Last evaluated: 2023-07-14. Review status: criteria provided, single submitter. Criteria: Invitae Variant Classification Sherloc (09022015). Collection method: clinical testing. Allele origin: germline.
Comment: Advanced modeling of protein sequence and biophysical properties (such as structural, functional, and spatial information, amino acid conservation, physicochemical variation, residue mobility, and thermodynamic stability) performed at Invitae indicates that this missense variant is expected to disrupt CARS2 protein function. In summary, the available evidence is currently insufficient to determine the role of this variant in disease. Therefore, it has been classified as a Variant of Uncertain Significance. ClinVar contains an entry for this variant (Variation ID: 939771). This sequence change replaces arginine, which is basic and polar, with tryptophan, which is neutral and slightly polar, at codon 346 of the CARS2 protein (p.Arg346Trp). This variant is present in population databases (rs759804272, gnomAD 0.1%). This missense change has been observed in individual(s) with clinical features of combined oxidative phosphorylation deficiency (PMID: 32571458).

Pediatric Department, Xiangya Hospital, Central South University
Classification: Uncertain significance. Review status: criteria provided, single submitter. Criteria: ACMG Guidelines, 2015. Collection method: clinical testing. Allele origin: maternal. Affected: yes. Observed: 2 compound heterozygotes. Clinical features observed: Seizure, Behavioral abnormality, Cerebral cortical atrophy.
Comment: This variant was observed in compound heterozygosity with variant (c.323T>G)

Literature cited by the submitters: PubMed 32571458 (cited by Labcorp Genetics (formerly Invitae), Labcorp).

NM_024537.4(CARS2):c.1036C>T (p.Arg346Trp)

Gene: CARS2 (cysteinyl-tRNA synthetase 2, mitochondrial; minus strand). Cytogenetic location: 13q34.
Variant type: single nucleotide variant.
Coding change: c.1036C>T on transcript NM_024537.4 (MANE Select); coding-DNA position 1036, C replaced by T.
Protein change: p.Arg346Trp; replaces arginine 346 with tryptophan.
Molecular consequence: missense variant. On other transcripts: non-coding transcript variant (2).
Genome position (GRCh38, 1-based): chr13:110,651,052, G>A on the plus strand (C>T on the coding strand, the complement: CARS2 is on the minus strand). VCF-style: chr13-110651052-G-A. GRCh37 (hg19) VCF-style: chr13-111303399-G-A.
Other names: c.250C>T, p.Arg84Trp (NM_001352252.2); short protein forms R346W, R84W.
Identifiers: ClinVar variation 939771 (VCV000939771.32), dbSNP rs759804272, ClinGen allele CA7051971.